The following is an entry in ClinVar:

NM_003743.5(NCOA1):c.3114G>A (p.Met1038Ile)

Gene: NCOA1 (nuclear receptor coactivator 1; plus strand). Cytogenetic location: 2p23.3.
Variant type: single nucleotide variant.
Coding change: c.3114G>A on transcript NM_003743.5 (MANE Select); coding-DNA position 3114, G replaced by A.
Protein change: p.Met1038Ile; replaces methionine 1038 with isoleucine.
Molecular consequence: missense variant.
Genome position (GRCh38, 1-based): chr2:24,729,728, G>A. VCF-style: chr2-24729728-G-A. GRCh37 (hg19) VCF-style: chr2-24952597-G-A.
Other names: c.3114G>A, p.Met1038Ile (NM_001362950.1, NM_001362952.1, NM_001362954.1 and 3 more transcripts); short protein forms M1038I.
Identifiers: ClinVar variation 4988502 (VCV004988502.1).
Genomic context (GRCh38, chr2:24,729,728, plus strand): 5'-GGGGACGATGCCTGTTCAAGTAACACCTCCCCGAGGTGCTTTTTCACCTGGCATGGGCAT[G>A]CAGCCCAGGCAAACTCTAAACAGACCTCCGGCTGCACCTAACCAGCTTCGACTTCAACTA-3'
Protein context (NP_003734.3, residues 1028-1048): PRGAFSPGMG[Met1038Ile]QPRQTLNRPP

ClinVar aggregate classification (germline): Uncertain significance (1 of 4 stars; one submission).

Conditions:
NCOA1-related disorder. Also called: NCOA1-related condition.

Submission:

PreventionGenetics, part of Exact Sciences
Classification: Uncertain significance for NCOA1-related condition. Last evaluated: 2026-03-16. Review status: criteria provided, single submitter. Criteria: ACMG Guidelines, 2015. Collection method: clinical testing. Allele origin: germline.
Comment: The NCOA1 c.3114G>A variant is predicted to result in the amino acid substitution p.Met1038Ile. To our knowledge, this variant has not been reported in the literature or in a large population database (gnomAD), indicating this variant is rare. At this time, the clinical significance of this variant is uncertain due to the absence of conclusive functional and genetic evidence.